The following is an entry in ClinVar:

ClinVar aggregate classification (germline): Uncertain significance (1 of 4 stars; one submission).

Submission:

Labcorp Genetics (formerly Invitae), Labcorp
Classification: Uncertain significance. Last evaluated: 2022-06-04. Review status: criteria provided, single submitter. Criteria: Invitae Variant Classification Sherloc (09022015). Collection method: clinical testing. Allele origin: germline.
Comment: This sequence change replaces glutamic acid, which is acidic and polar, with aspartic acid, which is acidic and polar, at codon 4969 of the PCLO protein (p.Glu4969Asp). This variant is not present in population databases (gnomAD no frequency). This variant has not been reported in the literature in individuals affected with PCLO-related conditions. Algorithms developed to predict the effect of missense changes on protein structure and function output the following: SIFT: "Tolerated"; PolyPhen-2: "Not Available"; Align-GVGD: "Class C0". The aspartic acid amino acid residue is found in multiple mammalian species, which suggests that this missense change does not adversely affect protein function. In summary, the available evidence is currently insufficient to determine the role of this variant in disease. Therefore, it has been classified as a Variant of Uncertain Significance.

NM_033026.6(PCLO):c.14907G>T (p.Glu4969Asp)

Genes: PCLO (piccolo presynaptic cytomatrix protein; minus strand), LOC126860089 (MED14-independent group 3 enhancer GRCh37_chr7:82434470-82435669; plus strand). Cytogenetic location: 7q21.11.
Variant type: single nucleotide variant.
Coding change: c.14907G>T on transcript NM_033026.6 (MANE Select); coding-DNA position 14907, G replaced by T.
Protein change: p.Glu4969Asp; replaces glutamic acid 4969 with aspartic acid.
Molecular consequence: missense variant.
Genome position (GRCh38, 1-based): chr7:82,805,714, C>A on the plus strand (G>T on the coding strand, the complement: PCLO is on the minus strand). VCF-style: chr7-82805714-C-A. GRCh37 (hg19) VCF-style: chr7-82435030-C-A.
Other names: short protein forms E4969D.
Identifiers: ClinVar variation 2042123 (VCV002042123.4), dbSNP rs267601584, ClinGen allele CA368018457.
Genomic context (GRCh38, chr7:82,805,714, plus strand): 5'-TAAGCTTTGTAGTAACAAAAAGAGACCCACTTACATCCTCGGAATAGGAAATAGATTAGT[C>A]TCCCCTGCAGTGCTGCTGCTTCCTTCACTGTCCACGCTATACCCACTGCCAAAGCTGCTG-3'
Protein context (NP_149015.2, residues 4959-4979): DSEGSSSTAG[Glu4969Asp]TNLFPIPRIG